The following is an entry in ClinVar:

ClinVar aggregate classification (germline): Uncertain significance (1 of 4 stars; one submission).

Conditions:
Malignant hyperthermia, susceptibility to, 1 (MHS1). Also called: Anesthesia related hyperthermia; Malignant hyperpyrexia; Fulminating hyperpyrexia; Pharmacogenic myopathy; RYR1-Related Malignant Hyperthermia Susceptibility; Malignant hyperthermia suceptibility 1. Identifiers: Orphanet 423, MedGen C2930980, MONDO:0007783, OMIM 145600.

Submission:

All of Us Research Program, National Institutes of Health
Classification: Uncertain significance for Malignant hyperthermia, susceptibility to, 1. Last evaluated: 2024-05-09. Review status: criteria provided, single submitter. Criteria: ACMG Guidelines, 2015. Collection method: clinical testing. Allele origin: germline. Inheritance: Autosomal dominant inheritance. Observed: 1 variant allele, 1 heterozygote.
Comment: This study involves interpretation of variants in research participants for the purpose of population health screening. Participant phenotype was not available at the time of variant classification. Additional details can be found in publication PMID: 35346344, PMCID: PMC8962531

NM_000540.3(RYR1):c.5491G>A (p.Gly1831Arg)

Gene: RYR1 (ryanodine receptor 1; plus strand). Cytogenetic location: 19q13.2.
Variant type: single nucleotide variant.
Coding change: c.5491G>A on transcript NM_000540.3 (MANE Select); coding-DNA position 5491, G replaced by A.
Protein change: p.Gly1831Arg; replaces glycine 1831 with arginine.
Molecular consequence: missense variant.
Genome position (GRCh38, 1-based): chr19:38,486,146, G>A. VCF-style: chr19-38486146-G-A. GRCh37 (hg19) VCF-style: chr19-38976786-G-A.
Other names: c.5491G>A, p.Gly1831Arg (NM_001042723.2); short protein forms G1831R.
Identifiers: ClinVar variation 3387742 (VCV003387742.1).